The following is an entry in ClinVar:

ClinVar aggregate classification (germline): Likely pathogenic. Review status: criteria provided, multiple submitters, no conflicts (2 of 4 stars). 2 submissions from 2 submitters: Likely pathogenic (2). Last evaluated 2023-06-12.

Conditions:
Hepatoencephalopathy due to combined oxidative phosphorylation defect type 1. Also called: HEPATOENCEPHALOPATHY, EARLY FATAL PROGRESSIVE. Identifiers: Orphanet 137681, MedGen C1836797, MONDO:0012191, OMIM 609060.

Allele frequency attached by ClinVar (database versions not stated): gnomAD exomes 0.00001; TOPMed 0.00001; gnomAD 0.00002.
gnomAD v4.1: 10 of 1,611,910 alleles (0.00062%); highest among the groups gnomAD compares: African/African-American, 0.0053%; no homozygotes.

Submissions (2):

Baylor Genetics
Classification: Likely pathogenic for Hepatoencephalopathy due to combined oxidative phosphorylation defect type 1. Last evaluated: 2023-06-12. Review status: criteria provided, single submitter. Criteria: ACMG Guidelines, 2015. Collection method: clinical testing. Allele origin: unknown.

Labcorp Genetics (formerly Invitae), Labcorp
Classification: Likely pathogenic. Last evaluated: 2022-11-06. Review status: criteria provided, single submitter. Criteria: Invitae Variant Classification Sherloc (09022015). Collection method: clinical testing. Allele origin: germline.
Comment: In summary, the currently available evidence indicates that the variant is pathogenic, but additional data are needed to prove that conclusively. Therefore, this variant has been classified as Likely Pathogenic. Algorithms developed to predict the effect of sequence changes on RNA splicing suggest that this variant may disrupt the consensus splice site. This variant has not been reported in the literature in individuals affected with GFM1-related conditions. This variant is present in population databases (no rsID available, gnomAD 0.01%). This sequence change affects an acceptor splice site in intron 3 of the GFM1 gene. It is expected to disrupt RNA splicing. Variants that disrupt the donor or acceptor splice site typically lead to a loss of protein function (PMID: 16199547), and loss-of-function variants in GFM1 are known to be pathogenic (PMID: 16632485, 17160893).

Literature cited by the submitters: PubMed 16199547 (cited by Labcorp Genetics (formerly Invitae), Labcorp); PubMed 16632485 (cited by Labcorp Genetics (formerly Invitae), Labcorp); PubMed 17160893 (cited by Labcorp Genetics (formerly Invitae), Labcorp).

NM_024996.7(GFM1):c.368-2A>G

Gene: GFM1 (G elongation factor mitochondrial 1; plus strand). Cytogenetic location: 3q25.32.
Variant type: single nucleotide variant.
Coding change: c.368-2A>G on transcript NM_024996.7 (MANE Select); the canonical splice acceptor site of the intron before coding-DNA position 368, A replaced by G.
Molecular consequence: splice acceptor variant. On other transcripts: intron variant (4).
Genome position (GRCh38, 1-based): chr3:158,646,741, A>G. VCF-style: chr3-158646741-A-G. GRCh37 (hg19) VCF-style: chr3-158364530-A-G.
Other names: c.368-2A>G (NM_001308164.2, NM_001374355.1, NM_001374356.1 and 1 more transcripts); c.143-2A>G (NM_001374357.1); c.5+960A>G (NM_001374359.1, NM_001374360.1, NM_001374361.1); c.234+960A>G (NM_001374358.1).
Identifiers: ClinVar variation 2150047 (VCV002150047.5), dbSNP rs1416173655, ClinGen allele CA355175724.